The following is an entry in ClinVar:

NM_001042492.3(NF1):c.5723_5742del (p.Ile1908fs)

Gene: NF1 (neurofibromin 1; plus strand). Cytogenetic location: 17q11.2.
Variant type: Deletion.
Coding change: c.5723_5742del on transcript NM_001042492.3 (MANE Select); coding-DNA positions 5723 to 5742, 20 bases deleted (TTGTCTCTATTAGTAAGACA).
Protein change: p.Ile1908fs; shifts the reading frame from isoleucine 1908.
Molecular consequence: frameshift variant.
Genome position (GRCh38, 1-based): chr17:31,330,409-31,330,428, TTGTCTCTATTAGTAAGACA deleted; deleting any 20 consecutive bases within chr17:31,330,408-31,330,428 gives the same sequence; the c. name uses the placement nearest the transcript's 3' end. VCF-style (leftmost placement, unchanged base first): chr17-31330407-TATTGTCTCTATTAGTAAGAC-T. GRCh37 (hg19) VCF-style: chr17-29657425-TATTGTCTCTATTAGTAAGAC-T.
Other names: c.5660_5679del20, p.Ile1887Thrfs (NM_000267.4); short protein forms I1908fs, I1887fs.
Identifiers: ClinVar variation 572845 (VCV000572845.5), dbSNP rs1567613682, ClinGen allele CA891844400.

ClinVar aggregate classification (germline): Pathogenic (1 of 4 stars; one submission).

Conditions:
Neurofibromatosis, type 1 (NF1). Also called: Peripheral type neurofibromatosis; VON RECKLINGHAUSEN DISEASE; Neurofibromatosis, type I; NEUROFIBROMATOSIS, TYPE I, SOMATIC. Identifiers: Orphanet 636, MedGen C0027831, MONDO:0018975, OMIM 162200. Disease mechanism: loss of function.

Submission:

Labcorp Genetics (formerly Invitae), Labcorp
Classification: Pathogenic for Neurofibromatosis, type 1. Last evaluated: 2018-04-19. Review status: criteria provided, single submitter. Criteria: Invitae Variant Classification Sherloc (09022015). Collection method: clinical testing. Allele origin: germline.
Comment: For these reasons, this variant has been classified as Pathogenic. Loss-of-function variants in NF1 are known to be pathogenic (PMID: 10712197, 23913538). This variant has not been reported in the literature in individuals with NF1-related disease. This variant is not present in population databases (ExAC no frequency). This sequence change creates a premature translational stop signal (p.Ile1887Thrfs*5) in the NF1 gene. It is expected to result in an absent or disrupted protein product.

Literature cited by the submitters: PubMed 10712197; PubMed 23913538.